The following is an entry in ClinVar:

NM_006939.4(SOS2):c.272A>C (p.Gln91Pro)

Gene: SOS2 (SOS Ras/Rho guanine nucleotide exchange factor 2; minus strand). Cytogenetic location: 14q21.3.
Variant type: single nucleotide variant.
Coding change: c.272A>C on transcript NM_006939.4 (MANE Select); coding-DNA position 272, A replaced by C.
Protein change: p.Gln91Pro; replaces glutamine 91 with proline.
Molecular consequence: missense variant.
Genome position (GRCh38, 1-based): chr14:50,201,026, T>G on the plus strand (A>C on the coding strand, the complement: SOS2 is on the minus strand). VCF-style: chr14-50201026-T-G. GRCh37 (hg19) VCF-style: chr14-50667744-T-G.
Other names: c.272A>C, p.Gln91Pro (NM_001411020.1); short protein forms Q91P.
Identifiers: ClinVar variation 2820624 (VCV002820624.3), dbSNP rs1566477467, ClinGen allele CA389650174.

ClinVar aggregate classification (germline): Uncertain significance (1 of 4 stars; one submission).

Conditions:
Noonan syndrome 9 (NS9). Identifiers: Orphanet 648, MedGen C4225282, MONDO:0014691, OMIM 616559.

Submission:

Labcorp Genetics (formerly Invitae), Labcorp
Classification: Uncertain significance for Noonan syndrome 9. Last evaluated: 2022-12-13. Review status: criteria provided, single submitter. Criteria: Invitae Variant Classification Sherloc (09022015). Collection method: clinical testing. Allele origin: germline.
Comment: Advanced modeling of protein sequence and biophysical properties (such as structural, functional, and spatial information, amino acid conservation, physicochemical variation, residue mobility, and thermodynamic stability) performed at Invitae indicates that this missense variant is expected to disrupt SOS2 protein function. This sequence change replaces glutamine, which is neutral and polar, with proline, which is neutral and non-polar, at codon 91 of the SOS2 protein (p.Gln91Pro). This variant is not present in population databases (gnomAD no frequency). This variant has not been reported in the literature in individuals affected with SOS2-related conditions. In summary, the available evidence is currently insufficient to determine the role of this variant in disease. Therefore, it has been classified as a Variant of Uncertain Significance.